The following is an entry in ClinVar:

NM_001101426.4(CRPPA):c.643C>A (p.Gln215Lys)

Gene: CRPPA (CDP-L-ribitol pyrophosphorylase A; minus strand). Cytogenetic location: 7p21.2.
Variant type: single nucleotide variant.
Coding change: c.643C>A on transcript NM_001101426.4 (MANE Select); coding-DNA position 643, C replaced by A.
Protein change: p.Gln215Lys; replaces glutamine 215 with lysine.
Molecular consequence: missense variant. On other transcripts: non-coding transcript variant (1), intron variant (1).
Genome position (GRCh38, 1-based): chr7:16,376,133, G>T on the plus strand (C>A on the coding strand, the complement: CRPPA is on the minus strand). VCF-style: chr7-16376133-G-T. GRCh37 (hg19) VCF-style: chr7-16415758-G-T.
Other names: c.643C>A, p.Gln215Lys (NM_001368197.1); c.534+29928C>A (NM_001101417.4); short protein forms Q215K.
Identifiers: ClinVar variation 653779 (VCV000653779.11), dbSNP rs370627877, ClinGen allele CA367001971.

ClinVar aggregate classification (germline): Uncertain significance (1 of 4 stars; one submission).

Conditions:
Autosomal recessive limb-girdle muscular dystrophy type 2U. Also called: Muscular dystrophy-dystroglycanopathy (limb-girdle), type c, 7; MUSCULAR DYSTROPHY, LIMB-GIRDLE, TYPE 2U. Identifiers: Orphanet 352479, MedGen C5190987, MONDO:0014474, OMIM 616052.
Muscular dystrophy-dystroglycanopathy (congenital with brain and eye anomalies), type A, 7. Also called: WALKER-WARBURG SYNDROME OR MUSCLE-EYE-BRAIN DISEASE, ISPD-RELATED; Congenital muscular dystrophy-dystroglycanopathy with brain and eye anomalies, type A7. Identifiers: Orphanet 899, MedGen C3553330, MONDO:0013835, OMIM 614643.

Submission:

Labcorp Genetics (formerly Invitae), Labcorp
Classification: Uncertain significance for Muscular dystrophy-dystroglycanopathy (congenital with brain and eye anomalies), type A, 7; Autosomal recessive limb-girdle muscular dystrophy type 2U. Last evaluated: 2019-05-09. Review status: criteria provided, single submitter. Criteria: Invitae Variant Classification Sherloc (09022015). Collection method: clinical testing. Allele origin: germline.
Comment: In summary, the available evidence is currently insufficient to determine the role of this variant in disease. Therefore, it has been classified as a Variant of Uncertain Significance. Algorithms developed to predict the effect of missense changes on protein structure and function (SIFT, PolyPhen-2, Align-GVGD) all suggest that this variant is likely to be disruptive, but these predictions have not been confirmed by published functional studies and their clinical significance is uncertain. This variant has not been reported in the literature in individuals with ISPD-related disease. This variant is not present in population databases (ExAC no frequency). This sequence change replaces glutamine with lysine at codon 215 of the ISPD protein (p.Gln215Lys). The glutamine residue is highly conserved and there is a small physicochemical difference between glutamine and lysine.